The following is an entry in ClinVar:

NM_001242896.3(DEPDC5):c.1325-1G>A

Gene: DEPDC5 (DEP domain containing 5, GATOR1 subcomplex subunit; plus strand). Cytogenetic location: 22q12.3.
Variant type: single nucleotide variant.
Coding change: c.1325-1G>A on transcript NM_001242896.3 (MANE Select); the canonical splice acceptor site of the intron before coding-DNA position 1325, G replaced by A.
Molecular consequence: splice acceptor variant.
Genome position (GRCh38, 1-based): chr22:31,810,520, G>A. VCF-style: chr22-31810520-G-A. GRCh37 (hg19) VCF-style: chr22-32206506-G-A.
Other names: c.1325-1G>A (NM_001364318.2, NM_001136029.4, NM_014662.6 and 7 more transcripts); c.1241-1G>A (NM_001369902.1, NM_001369901.1).
Identifiers: ClinVar variation 1499146 (VCV001499146.8), dbSNP rs1555882867, ClinGen allele CA411276672.

ClinVar aggregate classification (germline): Likely pathogenic (1 of 4 stars; one submission).

Conditions:
Familial focal epilepsy with variable foci (FPEVF). Identifiers: Orphanet 98820, MedGen C1858477, MONDO:0020310.

Submission:

Labcorp Genetics (formerly Invitae), Labcorp
Classification: Likely pathogenic for Familial focal epilepsy with variable foci. Last evaluated: 2021-12-02. Review status: criteria provided, single submitter. Criteria: Invitae Variant Classification Sherloc (09022015). Collection method: clinical testing. Allele origin: germline.
Comment: In summary, the currently available evidence indicates that the variant is pathogenic, but additional data are needed to prove that conclusively. Therefore, this variant has been classified as Likely Pathogenic. Algorithms developed to predict the effect of sequence changes on RNA splicing suggest that this variant may disrupt the consensus splice site. This variant has not been reported in the literature in individuals affected with DEPDC5-related conditions. This variant is not present in population databases (gnomAD no frequency). This sequence change affects an acceptor splice site in intron 19 of the DEPDC5 gene. It is expected to disrupt RNA splicing. Variants that disrupt the donor or acceptor splice site typically lead to a loss of protein function (PMID: 16199547), and loss-of-function variants in DEPDC5 are known to be pathogenic (PMID: 23542697, 23542701).

Literature cited by the submitters: PubMed 16199547; PubMed 23542697; PubMed 23542701.